The following is an entry in ClinVar:

NM_139276.3(STAT3):c.2117T>C (p.Leu706Pro)

Gene: STAT3 (signal transducer and activator of transcription 3; minus strand). Cytogenetic location: 17q21.2.
Variant type: single nucleotide variant.
Coding change: c.2117T>C on transcript NM_139276.3 (MANE Select); coding-DNA position 2117, T replaced by C.
Protein change: p.Leu706Pro; replaces leucine 706 with proline.
Molecular consequence: missense variant. On other transcripts: intron variant (1).
Genome position (GRCh38, 1-based): chr17:42,317,209, A>G on the plus strand (T>C on the coding strand, the complement: STAT3 is on the minus strand). VCF-style: chr17-42317209-A-G. GRCh37 (hg19) VCF-style: chr17-40469227-A-G.
Other names: c.2117T>C, p.Leu706Pro (NM_001369512.1, NM_001369513.1, NM_001369517.1 and 3 more transcripts); c.2114T>C, p.Leu705Pro (NM_001369514.1, NM_001369516.1, NM_001369519.1 and 2 more transcripts); c.2033T>C, p.Leu678Pro (NM_001384984.1); c.2039T>C, p.Leu680Pro (NM_001384985.1); c.2129T>C, p.Leu710Pro (NM_001384986.1); c.2096T>C, p.Leu699Pro (NM_001384987.1); c.2018T>C, p.Leu673Pro (NM_001384989.1); c.2132T>C, p.Leu711Pro (NM_001384990.1); and 3 more; short protein forms L706P, L705P, L673P, L678P, L680P, L686P, L697P, L699P.
Identifiers: ClinVar variation 429592 (VCV000429592.13), dbSNP rs1131691476, ClinGen allele CA399580232.

ClinVar aggregate classification (germline): Pathogenic/Likely pathogenic. Review status: criteria provided, multiple submitters, no conflicts (2 of 4 stars). 2 submissions from 2 submitters: Pathogenic (1); Likely pathogenic (1). Last evaluated 2025-03-31.

Conditions:
Hyper-IgE recurrent infection syndrome 1, autosomal dominant. Also called: STAT3 Hyper IgE Syndrome; HYPER-IgE SYNDROME 1, AUTOSOMAL DOMINANT, WITH RECURRENT INFECTIONS; Job's Syndrome; Hyper-IgE recurrent infection syndrome 1; JOB SYNDROME. Identifiers: Orphanet 2314, MedGen C2936739, MONDO:0007818, OMIM 147060.
STAT3 gain of function. Identifiers: MedGen C4288261.

Submissions (2):

Labcorp Genetics (formerly Invitae), Labcorp
Classification: Pathogenic for STAT3 gain of function; Hyper-IgE recurrent infection syndrome 1, autosomal dominant. Last evaluated: 2025-03-31. Review status: criteria provided, single submitter. Criteria: Invitae Variant Classification Sherloc (09022015). Collection method: clinical testing. Allele origin: germline.
Comment: This sequence change replaces leucine, which is neutral and non-polar, with proline, which is neutral and non-polar, at codon 706 of the STAT3 protein (p.Leu706Pro). This variant is not present in population databases (gnomAD no frequency). This missense change has been observed in individual(s) with symptoms consistent with hyper IgE syndrome (internal data). In at least one individual the variant was observed to be de novo. ClinVar contains an entry for this variant (Variation ID: 429592). Invitae Evidence Modeling of protein sequence and biophysical properties (such as structural, functional, and spatial information, amino acid conservation, physicochemical variation, residue mobility, and thermodynamic stability) has been performed for this missense variant. However, the output from this modeling did not meet the statistical confidence thresholds required to predict the impact of this variant on STAT3 protein function. This variant disrupts the p.Leu706 amino acid residue in STAT3. Other variant(s) that disrupt this residue have been observed in individuals with STAT3-related conditions (PMID: 20048285; internal data), which suggests that this may be a clinically significant amino acid residue. For these reasons, this variant has been classified as Pathogenic.

GeneDx
Classification: Likely pathogenic. Last evaluated: 2018-02-02. Review status: criteria provided, single submitter. Criteria: GeneDx Variant Classification (06012015). Collection method: clinical testing. Allele origin: germline. Affected: yes.
Comment: The L706P variant has not been published as a pathogenic variant, nor has it been reported as a benign variant to our knowledge. The L706P variant was not observed in approximately 6,500 individuals of European and African American ancestry in the NHLBI Exome Sequencing Project, indicating it is not a common benign variant in these populations. The variant is a semi-conservative amino acid substitution, which may impact secondary protein structure as these residues differ in some properties. This substitution occurs at a position that is conserved across species, and in silico analysis predicts this variant is probably damaging to the protein structure/function. Missense variants in the same (L706M) and nearby residues (Y705N/C, T708S/N, I711M) have been reported in the Human Gene Mutation Database in association with Hyper-IgE syndrome (Stenson et al., 2014), supporting the functional importance of this region of the protein. Therefore, this variant is likely pathogenic; however, the possibility that it is benign cannot be excluded.

Literature cited by the submitters: PubMed 20048285 (cited by Labcorp Genetics (formerly Invitae), Labcorp).